The following is an entry in ClinVar:

NM_013266.4(CTNNA3):c.2125T>G (p.Cys709Gly)

Gene: CTNNA3 (catenin alpha 3; minus strand). Cytogenetic location: 10q21.3.
Variant type: single nucleotide variant.
Coding change: c.2125T>G on transcript NM_013266.4 (MANE Select); coding-DNA position 2125, T replaced by G.
Protein change: p.Cys709Gly; replaces cysteine 709 with glycine.
Molecular consequence: missense variant.
Genome position (GRCh38, 1-based): chr10:66,069,342, A>C on the plus strand (T>G on the coding strand, the complement: CTNNA3 is on the minus strand). VCF-style: chr10-66069342-A-C. GRCh37 (hg19) VCF-style: chr10-67829100-A-C.
Other names: c.2125T>G, p.Cys709Gly (NM_001127384.3); short protein forms C709G.
Identifiers: ClinVar variation 1786318 (VCV001786318.6), dbSNP rs764029257, ClinGen allele CA5519698.

ClinVar aggregate classification (germline): Uncertain significance. Review status: criteria provided, multiple submitters, no conflicts (2 of 4 stars). 2 submissions from 2 submitters: Uncertain significance (2). Last evaluated 2025-12-15.

Conditions:
Arrhythmogenic right ventricular dysplasia 13. Also called: Arrhythmogenic right ventricular dysplasia, familial, 13; ARRHYTHMOGENIC RIGHT VENTRICULAR CARDIOMYOPATHY 13. Identifiers: MedGen C3810138, MONDO:0000908, OMIM 615616.

Allele frequency attached by ClinVar (database versions not stated): gnomAD 0.00001.
gnomAD v4.1: 10 of 1,613,450 alleles (0.00062%); highest among the groups gnomAD compares: Non-Finnish European, 0.00068%; no homozygotes.

Submissions (2):

Ambry Genetics
Classification: Uncertain significance. Last evaluated: 2025-12-15. Review status: criteria provided, single submitter. Criteria: Ambry Variant Classification Scheme 2023. Collection method: clinical testing. Allele origin: germline.

Labcorp Genetics (formerly Invitae), Labcorp
Classification: Uncertain significance for Arrhythmogenic right ventricular dysplasia 13. Last evaluated: 2025-07-02. Review status: criteria provided, single submitter. Criteria: Invitae Variant Classification Sherloc (09022015). Collection method: clinical testing. Allele origin: germline.
Comment: This sequence change replaces cysteine, which is neutral and slightly polar, with glycine, which is neutral and non-polar, at codon 709 of the CTNNA3 protein (p.Cys709Gly). This variant is present in population databases (rs764029257, gnomAD 0.0009%). This variant has not been reported in the literature in individuals affected with CTNNA3-related conditions. ClinVar contains an entry for this variant (Variation ID: 1786318). Invitae Evidence Modeling of protein sequence and biophysical properties (such as structural, functional, and spatial information, amino acid conservation, physicochemical variation, residue mobility, and thermodynamic stability) has been performed for this missense variant. However, the output from this modeling did not meet the statistical confidence thresholds required to predict the impact of this variant on CTNNA3 protein function. In summary, the available evidence is currently insufficient to determine the role of this variant in disease. Therefore, it has been classified as a Variant of Uncertain Significance.